The following is an entry in ClinVar:

NM_001130823.3(DNMT1):c.4599C>T (p.Leu1533=)

Genes: DNMT1 (DNA methyltransferase 1; minus strand), LOC126862853 (CDK7 strongly-dependent group 2 enhancer GRCh37_chr19:10246117-10247316; plus strand). Cytogenetic location: 19p13.2.
Variant type: single nucleotide variant.
Coding change: c.4599C>T on transcript NM_001130823.3 (MANE Select); coding-DNA position 4599, C replaced by T.
Protein change: p.Leu1533=; no amino-acid change (leucine 1533 retained).
Molecular consequence: synonymous variant.
Genome position (GRCh38, 1-based): chr19:10,136,178, G>A on the plus strand (C>T on the coding strand, the complement: DNMT1 is on the minus strand). VCF-style: chr19-10136178-G-A. GRCh37 (hg19) VCF-style: chr19-10246854-G-A.
Other names: p.Leu1533=; c.4599C>T (LRG_362t1, NM_001130823.2); c.4560C>T, p.Leu1520= (NM_001318730.2); c.4236C>T, p.Leu1412= (NM_001318731.2); c.4551C>T, p.Leu1517= (NM_001379.4).
Identifiers: ClinVar variation 384796 (VCV000384796.63), dbSNP rs145860233, ClinGen allele CA9187474.

ClinVar aggregate classification (germline): Benign/Likely benign. Review status: criteria provided, multiple submitters, no conflicts (2 of 4 stars). 7 submissions from 7 submitters: Benign (5); Likely benign (2). Last evaluated 2026-04-01.

Conditions:
DNMT1-related disorder. Also called: DNMT1-related condition. Identifiers: MedGen CN381527.
Hereditary sensory neuropathy-deafness-dementia syndrome. Also called: HSN IE; Hereditary sensory neuropathy type IE; Hereditary Sensory and Autonomic Neuropathy Type 1E (HSAN1E); NEUROPATHY, HEREDITARY SENSORY, WITH HEARING LOSS AND DEMENTIA. Identifiers: Orphanet 456318, MedGen C3279885, MONDO:0013584, OMIM 614116.

Allele frequency attached by ClinVar (database versions not stated): gnomAD exomes 0.00084; 1000 Genomes Project 0.00160; 1000 Genomes Project 30x 0.00187; ESP Exome Variant Server 0.00277; gnomAD 0.00305 and 0.00328; TOPMed 0.00334.
gnomAD v4.1: 874 of 1,614,108 alleles (0.054%); highest among the groups gnomAD compares: African/African-American, 1%; 2 homozygotes.

Submissions (7):

CeGaT Center for Human Genetics Tuebingen
Classification: Likely benign. Last evaluated: 2026-04-01. Review status: criteria provided, single submitter. Criteria: CeGaT Center For Human Genetics Tuebingen Variant Classification Criteria Version 2. Collection method: clinical testing. Allele origin: germline. Affected: yes. Observed: 1 variant allele.
Comment: DNMT1: BP4, BP7, BS1

Labcorp Genetics (formerly Invitae), Labcorp
Classification: Benign for Hereditary sensory neuropathy-deafness-dementia syndrome. Last evaluated: 2025-12-30. Review status: criteria provided, single submitter. Criteria: Invitae Variant Classification Sherloc (09022015). Collection method: clinical testing. Allele origin: germline.

Mayo Clinic Laboratories, Mayo Clinic
Classification: Benign. Last evaluated: 2025-08-07. Review status: criteria provided, single submitter. Criteria: ACMG Guidelines, 2015. Collection method: clinical testing. Allele origin: germline. Observed: 2 variant alleles.
Comment: BA1

PreventionGenetics, part of Exact Sciences
Classification: Benign for DNMT1-related condition. Last evaluated: 2025-03-17. Review status: criteria provided, single submitter. Criteria: ACMG Guidelines, 2015. Collection method: clinical testing. Allele origin: germline.
Comment: This variant is classified as benign based on ACMG/AMP sequence variant interpretation guidelines (Richards et al. 2015 PMID: 25741868, with internal and published modifications).

Blueprint Genetics
Classification: Likely benign. Last evaluated: 2024-08-06. Review status: criteria provided, single submitter. Criteria: ACMG Guidelines, 2015. Collection method: clinical testing. Allele origin: germline.

ARUP Laboratories, Molecular Genetics and Genomics, ARUP Laboratories
Classification: Benign. Last evaluated: 2024-03-08. Review status: criteria provided, single submitter. Criteria: ARUP Molecular Germline Variant Investigation Process 2024. Collection method: clinical testing. Allele origin: germline.

GeneDx
Classification: Benign. Last evaluated: 2019-07-22. Review status: criteria provided, single submitter. Criteria: GeneDx Variant Classification Process June 2021. Collection method: clinical testing. Allele origin: germline. Affected: yes.